The following is an entry in ClinVar:

ClinVar aggregate classification (germline): Uncertain significance. Review status: criteria provided, multiple submitters, no conflicts (2 of 4 stars). 3 submissions from 3 submitters: Uncertain significance (2). 1 of the submissions does not count toward it. Last evaluated 2024-03-13.

Conditions:
COL18A1-related disorder. Also called: COL18A1-related disorders; COL18A1-related condition.

Submissions (3):

Blueprint Genetics
Classification: Uncertain significance. Last evaluated: 2024-03-13. Review status: criteria provided, single submitter. Criteria: ACMG Guidelines, 2015. Collection method: clinical testing. Allele origin: germline.

Women's Health and Genetics/Laboratory Corporation of America, LabCorp
Classification: Uncertain significance. Last evaluated: 2022-11-14. Review status: criteria provided, single submitter. Criteria: LabCorp Variant Classification Summary - May 2015. Collection method: clinical testing. Allele origin: germline.
Comment: Variant summary: COL18A1 c.107-11586delC is located at a position not widely known to affect splicing. However, in an alternative isoform (NM_130444.3), this variant is also known as c.1126del/p.Leu376CysfsTer163. The variant allele was found at a frequency of 5.2e-05 in 134890 control chromosomes. The available data on variant occurrences in the general population are insufficient to allow any conclusion about variant significance. To our knowledge, no occurrence of c.107-11586delC in individuals affected with Knobloch Syndrome 1 and no experimental evidence demonstrating its impact on protein function have been reported. No clinical diagnostic laboratories have submitted clinical-significance assessments for this variant to ClinVar after 2014. Based on the evidence outlined above, the variant was classified as uncertain significance.

PreventionGenetics, part of Exact Sciences
Classification: Uncertain significance for COL18A1-related condition. Last evaluated: 2024-09-16. Review status: no assertion criteria provided. Collection method: clinical testing. Allele origin: germline. Not counted in ClinVar's aggregate classification.
Comment: The COL18A1 c.1126delC variant is predicted to result in a frameshift and premature protein termination (p.Leu376Cysfs*163). In alternate transcript NM_130445, this variant is deep intronic, denoted as c.107-11586del. This deep intronic variant is not predicted to alter splicing (SpliceAI, Jaganathan et al. 2019. PubMed ID: 30661751). To our knowledge, this variant has not been reported in the literature. This variant is reported in 0.0097% of alleles in individuals of European (Non-Finnish) descent in gnomAD. At this time, the clinical significance of this variant is uncertain due to the absence of conclusive functional and genetic evidence.

NM_001379500.1(COL18A1):c.107-11586del

Gene: COL18A1 (collagen type XVIII alpha 1 chain; plus strand). Cytogenetic location: 21q22.3.
Variant type: Deletion.
Coding change: c.107-11586del on transcript NM_001379500.1 (MANE Select); 11586 bases into the intron before coding-DNA position 107, one base deleted (C; older notation c.107-11586delC).
Molecular consequence: intron variant. On other transcripts: frameshift variant (1).
Genome position (GRCh38, 1-based): chr21:45,456,656, C deleted; the last of 2 consecutive C bases (chr21:45,456,655-45,456,656); deleting either gives the same sequence. VCF-style (leftmost placement, unchanged base first): chr21-45456654-GC-G. GRCh37 (hg19) VCF-style: chr21-46876568-GC-G.
Other names: c.1126del, p.Leu376fs (NM_130444.3); c.646+480del (NM_030582.4); c.107-11586delC (NM_001379500.1); c.1126delC (NM_130444.2); short protein forms L376fs.
Identifiers: ClinVar variation 1804729 (VCV001804729.3), dbSNP rs982780114, ClinGen allele CA321895840.